The following is an entry in ClinVar:

NM_003954.5(MAP3K14):c.884C>T (p.Pro295Leu)

Gene: MAP3K14 (mitogen-activated protein kinase kinase kinase 14; minus strand). Cytogenetic location: 17q21.31.
Variant type: single nucleotide variant.
Coding change: c.884C>T on transcript NM_003954.5 (MANE Select); coding-DNA position 884, C replaced by T.
Protein change: p.Pro295Leu; replaces proline 295 with leucine.
Molecular consequence: missense variant.
Genome position (GRCh38, 1-based): chr17:45,286,699, G>A on the plus strand (C>T on the coding strand, the complement: MAP3K14 is on the minus strand). VCF-style: chr17-45286699-G-A. GRCh37 (hg19) VCF-style: chr17-43364066-G-A.
Other names: short protein forms P295L.
Identifiers: ClinVar variation 937053 (VCV000937053.8), dbSNP rs1055681030, ClinGen allele CA399888274.

ClinVar aggregate classification (germline): Uncertain significance (1 of 4 stars; one submission).

Conditions:
NIK deficiency. Also called: Primary immunodeficiency with multifaceted aberrant lymphoid immunity. Identifiers: Orphanet 447731, MedGen C5680065, MONDO:0018642.

Submission:

Labcorp Genetics (formerly Invitae), Labcorp
Classification: Uncertain significance for NIK deficiency. Last evaluated: 2021-07-22. Review status: criteria provided, single submitter. Criteria: Invitae Variant Classification Sherloc (09022015). Collection method: clinical testing. Allele origin: germline.
Comment: In summary, the available evidence is currently insufficient to determine the role of this variant in disease. Therefore, it has been classified as a Variant of Uncertain Significance. Algorithms developed to predict the effect of missense changes on protein structure and function are either unavailable or do not agree on the potential impact of this missense change (SIFT: "Deleterious"; PolyPhen-2: "Benign"; Align-GVGD: "Class C0"). This variant has not been reported in the literature in individuals with MAP3K14-related conditions. This variant is not present in population databases (ExAC no frequency). This sequence change replaces proline with leucine at codon 295 of the MAP3K14 protein (p.Pro295Leu). The proline residue is moderately conserved and there is a moderate physicochemical difference between proline and leucine.